The following is an entry in ClinVar:

ClinVar aggregate classification (germline): Uncertain significance. Review status: criteria provided, multiple submitters, no conflicts (2 of 4 stars). 2 submissions from 2 submitters: Uncertain significance (2). Last evaluated 2024-06-03.

Conditions:
Combined oxidative phosphorylation deficiency 44. Also called: FASTKD2-Related Combined Oxidative Phosphorylation Deficiency. Identifiers: MedGen C5394293, MONDO:0030020, OMIM 618855.

Allele frequency attached by ClinVar (database versions not stated): gnomAD exomes 0.00001; ExAC 0.00004.
gnomAD v4.1: 8 of 1,614,026 alleles (0.0005%); highest among the groups gnomAD compares: Admixed American, 0.013%; no homozygotes.

Submissions (2):

Labcorp Genetics (formerly Invitae), Labcorp
Classification: Uncertain significance. Last evaluated: 2024-06-03. Review status: criteria provided, single submitter. Criteria: Invitae Variant Classification Sherloc (09022015). Collection method: clinical testing. Allele origin: germline.
Comment: This sequence change replaces serine, which is neutral and polar, with glycine, which is neutral and non-polar, at codon 15 of the FASTKD2 protein (p.Ser15Gly). This variant is present in population databases (rs752284309, gnomAD 0.02%). This variant has not been reported in the literature in individuals affected with FASTKD2-related conditions. ClinVar contains an entry for this variant (Variation ID: 1938075). Algorithms developed to predict the effect of missense changes on protein structure and function output the following: SIFT: "Not Available"; PolyPhen-2: "Benign"; Align-GVGD: "Not Available". The glycine amino acid residue is found in multiple mammalian species, which suggests that this missense change does not adversely affect protein function. In summary, the available evidence is currently insufficient to determine the role of this variant in disease. Therefore, it has been classified as a Variant of Uncertain Significance.

Fulgent Genetics
Classification: Uncertain significance for Combined oxidative phosphorylation deficiency 44. Last evaluated: 2024-01-20. Review status: criteria provided, single submitter. Criteria: ACMG Guidelines, 2015. Collection method: clinical testing. Allele origin: germline.

NM_001136193.2(FASTKD2):c.43A>G (p.Ser15Gly)

Gene: FASTKD2 (FAST kinase domains 2; plus strand). Cytogenetic location: 2q33.3.
Variant type: single nucleotide variant.
Coding change: c.43A>G on transcript NM_001136193.2 (MANE Select); coding-DNA position 43, A replaced by G.
Protein change: p.Ser15Gly; replaces serine 15 with glycine.
Molecular consequence: missense variant.
Genome position (GRCh38, 1-based): chr2:206,766,736, A>G. VCF-style: chr2-206766736-A-G. GRCh37 (hg19) VCF-style: chr2-207631460-A-G.
Other names: c.43A>G, p.Ser15Gly (NM_001136194.2, NM_014929.4); c.43A>G (NM_014929.3); short protein forms S15G.
Identifiers: ClinVar variation 1938075 (VCV001938075.4), dbSNP rs752284309, ClinGen allele CA2074816.
Genomic context (GRCh38, chr2:206,766,736, plus strand): 5'-AGAAGTGACGTTGGTTTCATGTTGACAACTTTGAAGCCATTTGGAAGTGTTTCAGTGGAG[A>G]GCAAAATGAATAACAAAGCGGGCTCCTTTTTCTGGAACCTTAGACAATTCAGTACATTAG-3'
Protein context (NP_001129665.1, residues 5-25): LKPFGSVSVE[Ser15Gly]KMNNKAGSFF